The following is an entry in ClinVar:

NM_004211.5(SLC6A5):c.500C>A (p.Thr167Lys)

Gene: SLC6A5 (solute carrier family 6 member 5; plus strand). Cytogenetic location: 11p15.1.
Variant type: single nucleotide variant.
Coding change: c.500C>A on transcript NM_004211.5 (MANE Select); coding-DNA position 500, C replaced by A.
Protein change: p.Thr167Lys; replaces threonine 167 with lysine.
Molecular consequence: missense variant. On other transcripts: 5 prime UTR variant (1).
Genome position (GRCh38, 1-based): chr11:20,601,625, C>A. VCF-style: chr11-20601625-C-A. GRCh37 (hg19) VCF-style: chr11-20623171-C-A.
Other names: c.-64C>A (NM_001318369.2); c.500C>A (NM_004211.4); short protein forms T167K.
Identifiers: ClinVar variation 304012 (VCV000304012.16), dbSNP rs61736603, ClinGen allele CA5921093.

ClinVar aggregate classification (germline): Benign. Review status: criteria provided, multiple submitters, no conflicts (2 of 4 stars). 3 submissions from 3 submitters: Benign (2). 1 of the submissions does not count toward it. Last evaluated 2026-02-02.

Conditions:
SLC6A5-related disorder. Also called: SLC6A5-related condition.
Hyperekplexia 3 (HKPX3). Also called: HYPEREKPLEXIA 3, AUTOSOMAL RECESSIVE; HYPEREKPLEXIA 3, AUTOSOMAL DOMINANT. Identifiers: Orphanet 3197, MedGen C3553288, MONDO:0013827, OMIM 614618.

Allele frequency attached by ClinVar (database versions not stated): gnomAD exomes 0.00172 and 0.00463; ExAC 0.00585; gnomAD 0.01724 and 0.01875; 1000 Genomes Project 0.01917; TOPMed 0.01958; 1000 Genomes Project 30x 0.02124; ESP Exome Variant Server 0.02153.
gnomAD v4.1: 5,239 of 1,614,056 alleles (0.32%); highest among the groups gnomAD compares: African/African-American, 6.2%; 187 homozygotes.

Submissions (3):

Labcorp Genetics (formerly Invitae), Labcorp
Classification: Benign for Hyperekplexia 3. Last evaluated: 2026-02-02. Review status: criteria provided, single submitter. Criteria: Invitae Variant Classification Sherloc (09022015). Collection method: clinical testing. Allele origin: germline.

Breakthrough Genomics
Classification: Benign. Review status: criteria provided, single submitter. Criteria: ACMG Guidelines, 2015. Collection method: not provided. Allele origin: germline. Inheritance: Autosomal dominant inheritance. Affected: yes.

PreventionGenetics, part of Exact Sciences
Classification: Benign for SLC6A5-related condition. Last evaluated: 2024-06-13. Review status: no assertion criteria provided. Collection method: clinical testing. Allele origin: germline. Not counted in ClinVar's aggregate classification.
Comment: This variant is classified as benign based on ACMG/AMP sequence variant interpretation guidelines (Richards et al. 2015 PMID: 25741868, with internal and published modifications).